The following is an entry in ClinVar:

ClinVar aggregate classification (germline): Uncertain significance (1 of 4 stars; one submission).

Submission:

Labcorp Genetics (formerly Invitae), Labcorp
Classification: Uncertain significance. Last evaluated: 2023-04-07. Review status: criteria provided, single submitter. Criteria: Invitae Variant Classification Sherloc (09022015). Collection method: clinical testing. Allele origin: germline.
Comment: This sequence change replaces valine, which is neutral and non-polar, with glutamic acid, which is acidic and polar, at codon 287 of the ITGAM protein (p.Val287Glu). This variant is not present in population databases (gnomAD no frequency). This variant has not been reported in the literature in individuals affected with ITGAM-related conditions. An algorithm developed to predict the effect of missense changes on protein structure and function (PolyPhen-2) suggests that this variant is likely to be disruptive. In summary, the available evidence is currently insufficient to determine the role of this variant in disease. Therefore, it has been classified as a Variant of Uncertain Significance.

NM_000632.4(ITGAM):c.860T>A (p.Val287Glu)

Gene: ITGAM (integrin subunit alpha M; plus strand). Cytogenetic location: 16p11.2.
Variant type: single nucleotide variant.
Coding change: c.860T>A on transcript NM_000632.4 (MANE Select); coding-DNA position 860, T replaced by A.
Protein change: p.Val287Glu; replaces valine 287 with glutamic acid.
Molecular consequence: missense variant.
Genome position (GRCh38, 1-based): chr16:31,275,550, T>A. VCF-style: chr16-31275550-T-A. GRCh37 (hg19) VCF-style: chr16-31286871-T-A.
Other names: c.860T>A, p.Val287Glu (NM_001145808.2); short protein forms V287E.
Identifiers: ClinVar variation 2853248 (VCV002853248.3), dbSNP rs2544393329, ClinGen allele CA395697068.